The following is an entry in ClinVar:

ClinVar aggregate classification (germline): Uncertain significance. Review status: criteria provided, multiple submitters, no conflicts (2 of 4 stars). 4 submissions from 4 submitters: Uncertain significance (4). Last evaluated 2024-10-03.

Conditions:
Hereditary nonpolyposis colorectal neoplasms. Identifiers: MedGen C0009405, MeSH D003123.
Hereditary cancer-predisposing syndrome. Also called: Neoplastic Syndromes, Hereditary; Hereditary Cancer Syndrome; Tumor predisposition; Hereditary neoplastic syndrome. Identifiers: Orphanet 140162, MedGen C0027672, MeSH D009386, MONDO:0015356.

gnomAD v4.1: 1 of 1,613,928 alleles (0.000062%); highest among the groups gnomAD compares: Non-Finnish European, 0.000085%; no homozygotes.

Submissions (4):

Ambry Genetics
Classification: Uncertain significance for Hereditary cancer-predisposing syndrome. Last evaluated: 2024-10-03. Review status: criteria provided, single submitter. Criteria: Ambry Variant Classification Scheme 2023. Collection method: clinical testing. Allele origin: germline.
Comment: The p.G207A variant (also known as c.620G>C), located in coding exon 6 of the PMS2 gene, results from a G to C substitution at nucleotide position 620. The glycine at codon 207 is replaced by alanine, an amino acid with similar properties. This amino acid position is well conserved in available vertebrate species. In addition, this alteration is predicted to be tolerated by in silico analysis. Based on the available evidence, the clinical significance of this variant remains unclear.

Labcorp Genetics (formerly Invitae), Labcorp
Classification: Uncertain significance for Hereditary nonpolyposis colorectal neoplasms. Last evaluated: 2023-11-29. Review status: criteria provided, single submitter. Criteria: Invitae Variant Classification Sherloc (09022015). Collection method: clinical testing. Allele origin: germline.
Comment: This sequence change replaces glycine, which is neutral and non-polar, with alanine, which is neutral and non-polar, at codon 207 of the PMS2 protein (p.Gly207Ala). This variant is not present in population databases (gnomAD no frequency). This variant has not been reported in the literature in individuals affected with PMS2-related conditions. ClinVar contains an entry for this variant (Variation ID: 237921). Advanced modeling of protein sequence and biophysical properties (such as structural, functional, and spatial information, amino acid conservation, physicochemical variation, residue mobility, and thermodynamic stability) performed at Invitae indicates that this missense variant is not expected to disrupt PMS2 protein function with a negative predictive value of 80%. In summary, the available evidence is currently insufficient to determine the role of this variant in disease. Therefore, it has been classified as a Variant of Uncertain Significance.

Blueprint Genetics
Classification: Uncertain significance. Last evaluated: 2022-01-10. Review status: criteria provided, single submitter. Criteria: ACMG Guidelines, 2015. Collection method: clinical testing. Allele origin: germline.

GeneDx
Classification: Uncertain significance. Last evaluated: 2020-05-05. Review status: criteria provided, single submitter. Criteria: GeneDx Variant Classification Process June 2021. Collection method: clinical testing. Allele origin: germline. Affected: yes.
Comment: Not observed in large population cohorts (Lek 2016); In silico analysis supports that this missense variant has a deleterious effect on protein structure/function; Has not been previously published as pathogenic or benign to our knowledge

NM_000535.7(PMS2):c.620G>C (p.Gly207Ala)

Gene: PMS2 (PMS1 homolog 2, mismatch repair system component; minus strand). Cytogenetic location: 7p22.1.
Variant type: single nucleotide variant.
Coding change: c.620G>C on transcript NM_000535.7 (MANE Select); coding-DNA position 620, G replaced by C.
Protein change: p.Gly207Ala; replaces glycine 207 with alanine.
Molecular consequence: missense variant. On other transcripts: 5 prime UTR variant (2), non-coding transcript variant (1), intron variant (1).
Genome position (GRCh38, 1-based): chr7:5,999,193, C>G on the plus strand (G>C on the coding strand, the complement: PMS2 is on the minus strand). VCF-style: chr7-5999193-C-G. GRCh37 (hg19) VCF-style: chr7-6038824-C-G.
Other names: c.215G>C, p.Gly72Ala (NM_001322003.2, NM_001322004.2, NM_001322005.2 and 2 more transcripts); c.620G>C, p.Gly207Ala (NM_001322006.2, NM_001322014.2); c.302G>C, p.Gly101Ala (NM_001322007.2, NM_001322008.2); c.-314G>C (NM_001322011.2, NM_001322012.2); c.311G>C, p.Gly104Ala (NM_001322015.2); c.133-1770G>C (NM_001322013.2); short protein forms G207A, G101A, G104A, G72A.
Identifiers: ClinVar variation 237921 (VCV000237921.12), dbSNP rs374704824, ClinGen allele CA10582524.